The following is an entry in ClinVar:

NM_001297.5(CNGB1):c.3230G>A (p.Arg1077Gln)

Gene: CNGB1 (cyclic nucleotide gated channel subunit beta 1; minus strand). Cytogenetic location: 16q21.
Variant type: single nucleotide variant.
Coding change: c.3230G>A on transcript NM_001297.5 (MANE Select); coding-DNA position 3230, G replaced by A.
Protein change: p.Arg1077Gln; replaces arginine 1077 with glutamine.
Molecular consequence: missense variant.
Genome position (GRCh38, 1-based): chr16:57,897,409, C>T on the plus strand (G>A on the coding strand, the complement: CNGB1 is on the minus strand). VCF-style: chr16-57897409-C-T. GRCh37 (hg19) VCF-style: chr16-57931313-C-T.
Other names: c.3230G>A (NM_001297.4); c.3212G>A, p.Arg1071Gln (NM_001286130.2); short protein forms R1077Q, R1071Q.
Identifiers: ClinVar variation 1902298 (VCV001902298.4), dbSNP rs374172975, ClinGen allele CA8082640.

ClinVar aggregate classification (germline): Uncertain significance. Review status: criteria provided, multiple submitters, no conflicts (2 of 4 stars). 3 submissions from 3 submitters: Uncertain significance (3). Last evaluated 2026-09-25.

Conditions:
Inborn genetic diseases. Identifiers: MedGen C0950123, MeSH D030342.
CNGB1-related disorder. Also called: CNGB1-related condition.

Allele frequency attached by ClinVar (database versions not stated): ExAC 0.00003; gnomAD 0.00009; TOPMed 0.00009; ESP Exome Variant Server 0.00017.
gnomAD v4.1: 38 of 1,613,964 alleles (0.0024%); highest among the groups gnomAD compares: African/African-American, 0.032%; no homozygotes.

Submissions (3):

PreventionGenetics, part of Exact Sciences
Classification: Uncertain significance for CNGB1-related condition. Last evaluated: 2026-09-25. Review status: criteria provided, single submitter. Criteria: ACMG Guidelines, 2015. Collection method: clinical testing. Allele origin: germline.
Comment: The CNGB1 c.3230G>A variant is predicted to result in the amino acid substitution p.Arg1077Gln. To our knowledge, this variant has not been reported in the literature. This variant is reported in 0.037% of alleles in individuals of African descent in gnomAD. At this time, the clinical significance of this variant is uncertain due to the absence of conclusive functional and genetic evidence.

Ambry Genetics
Classification: Uncertain significance for Inborn genetic diseases. Last evaluated: 2024-05-10. Review status: criteria provided, single submitter. Criteria: Ambry Variant Classification Scheme 2023. Collection method: clinical testing. Allele origin: germline.

Labcorp Genetics (formerly Invitae), Labcorp
Classification: Uncertain significance. Last evaluated: 2022-07-06. Review status: criteria provided, single submitter. Criteria: Invitae Variant Classification Sherloc (09022015). Collection method: clinical testing. Allele origin: germline.
Comment: This sequence change replaces arginine, which is basic and polar, with glutamine, which is neutral and polar, at codon 1077 of the CNGB1 protein (p.Arg1077Gln). This variant is present in population databases (rs374172975, gnomAD 0.04%). This variant has not been reported in the literature in individuals affected with CNGB1-related conditions. Algorithms developed to predict the effect of missense changes on protein structure and function are either unavailable or do not agree on the potential impact of this missense change (SIFT: "Deleterious"; PolyPhen-2: "Possibly Damaging"; Align-GVGD: "Class C0"). In summary, the available evidence is currently insufficient to determine the role of this variant in disease. Therefore, it has been classified as a Variant of Uncertain Significance.